The following is an entry in ClinVar:

NM_001377137.1(GBF1):c.5184C>T (p.Pro1728=)

Gene: GBF1 (golgi brefeldin A resistant guanine nucleotide exchange factor 1; plus strand). Cytogenetic location: 10q24.32.
Variant type: single nucleotide variant.
Coding change: c.5184C>T on transcript NM_001377137.1 (MANE Select); coding-DNA position 5184, C replaced by T.
Protein change: p.Pro1728=; no amino-acid change (proline 1728 retained).
Molecular consequence: synonymous variant. On other transcripts: non-coding transcript variant (5), intron variant (1).
Genome position (GRCh38, 1-based): chr10:102,381,137, C>T. VCF-style: chr10-102381137-C-T. GRCh37 (hg19) VCF-style: chr10-104140894-C-T.
Other names: c.5172C>T, p.Pro1724= (NM_001199378.2, NM_001391923.1); c.5169C>T, p.Pro1723= (NM_001199379.2, NM_001391924.1); c.5133C>T, p.Pro1711= (NM_001377138.1); c.4887C>T, p.Pro1629= (NM_001377139.1, NM_001391930.1); c.4875C>T, p.Pro1625= (NM_001377140.1); c.5181C>T, p.Pro1727= (NM_001377141.1, NM_004193.3); c.5268C>T, p.Pro1756= (NM_001391922.1); c.5145C>T, p.Pro1715= (NM_001391925.1); and 7 more.
Identifiers: ClinVar variation 2672414 (VCV002672414.23), dbSNP rs2060820566, ClinGen allele CA471002357.

ClinVar aggregate classification (germline): Likely benign (1 of 4 stars; one submission).

Allele frequency attached by ClinVar (database versions not stated): gnomAD exomes below 0.00001.
gnomAD v4.1: 1 of 1,613,962 alleles (0.000062%); highest among the groups gnomAD compares: Non-Finnish European, 0.000085%; no homozygotes.

Submission:

CeGaT Center for Human Genetics Tuebingen
Classification: Likely benign. Last evaluated: 2023-11-01. Review status: criteria provided, single submitter. Criteria: CeGaT Center For Human Genetics Tuebingen Variant Classification Criteria Version 2. Collection method: clinical testing. Allele origin: germline. Affected: yes. Observed: 1 variant allele.
Comment: GBF1: BP4, BP7